The following is an entry in ClinVar:

ClinVar aggregate classification (germline): Likely benign. Review status: criteria provided, multiple submitters, no conflicts (2 of 4 stars). 4 submissions from 4 submitters: Likely benign (4). Last evaluated 2025-12-16.

Conditions:
Hyperaldosteronism, familial, type IV (HALD4). Also called: FH IV; ALDOSTERONISM, PRIMARY, AND HYPERTENSION. Identifiers: Orphanet 642671, MedGen C4310756, MONDO:0014875, OMIM 617027.
Idiopathic generalized epilepsy. Also called: EIG; Generalised epilepsy. Identifiers: MedGen C0270850, MONDO:0005579, OMIM 600669.
CACNA1H-related disorder.

Allele frequency attached by ClinVar (database versions not stated): ExAC 0.00011; gnomAD exomes 0.00014; gnomAD 0.00016 and 0.00017; TOPMed 0.00021; ESP Exome Variant Server 0.00039.
gnomAD v4.1: 225 of 1,612,250 alleles (0.014%); highest among the groups gnomAD compares: Middle Eastern, 0.69%; 2 homozygotes.

Submissions (4):

Labcorp Genetics (formerly Invitae), Labcorp
Classification: Likely benign for Idiopathic generalized epilepsy; Hyperaldosteronism, familial, type IV. Last evaluated: 2025-12-16. Review status: criteria provided, single submitter. Criteria: Invitae Variant Classification Sherloc (09022015). Collection method: clinical testing. Allele origin: germline.

Blueprint Genetics
Classification: Likely benign. Last evaluated: 2024-11-27. Review status: criteria provided, single submitter. Criteria: ACMG Guidelines, 2015. Collection method: clinical testing. Allele origin: germline.

PreventionGenetics, part of Exact Sciences
Classification: Likely benign for CACNA1H-related condition. Last evaluated: 2024-10-15. Review status: criteria provided, single submitter. Criteria: ACMG Guidelines, 2015. Collection method: clinical testing. Allele origin: germline.
Comment: This variant is classified as likely benign based on ACMG/AMP sequence variant interpretation guidelines (Richards et al. 2015 PMID: 25741868, with internal and published modifications).

Breakthrough Genomics
Classification: Likely benign. Review status: criteria provided, single submitter. Criteria: ACMG Guidelines, 2015. Collection method: not provided. Allele origin: germline. Inheritance: Autosomal dominant inheritance. Affected: yes.

NM_021098.3(CACNA1H):c.1047G>A (p.Ser349=)

Gene: CACNA1H (calcium voltage-gated channel subunit alpha1 H; plus strand). Cytogenetic location: 16p13.3.
Variant type: single nucleotide variant.
Coding change: c.1047G>A on transcript NM_021098.3 (MANE Select); coding-DNA position 1047, G replaced by A.
Protein change: p.Ser349=; no amino-acid change (serine 349 retained).
Molecular consequence: synonymous variant.
Genome position (GRCh38, 1-based): chr16:1,200,499, G>A. VCF-style: chr16-1200499-G-A. GRCh37 (hg19) VCF-style: chr16-1250499-G-A.
Other names: c.1047G>A, p.Ser349= (NM_001005407.2).
Identifiers: ClinVar variation 460038 (VCV000460038.12), dbSNP rs72552034, ClinGen allele CA7799761.